The following is an entry in ClinVar:

ClinVar aggregate classification (germline): Pathogenic (0 of 4 stars; one submission).

Conditions:
Pyruvate dehydrogenase E1-alpha deficiency (PDHAD). Also called: ATAXIA, INTERMITTENT, WITH PYRUVATE DEHYDROGENASE DEFICIENCY; ATAXIA WITH LACTIC ACIDOSIS I; ATAXIA, INTERMITTENT, WITH ABNORMAL PYRUVATE METABOLISM; Ataxia, intermittent, with pyruvate dehydrogenase, or decarboxylase, deficiency. Identifiers: Orphanet 79243, MedGen C1839413, MONDO:0010717, OMIM 312170.

Submission:

PDHA1 Study Group, University Children’s Hospital, Paracelsus Medical University
Classification: Pathogenic for Pyruvate dehydrogenase E1-alpha deficiency. Last evaluated: 2024-10-15. Review status: no assertion criteria provided. Collection method: research. Allele origin: germline. Affected: yes. Observed: 1 variant allele.
Comment: The NM_000284.3:c.894_899+1dup (p.?) variant affects splicing in PDHA1 gene. Last literature search: July 12, 2024. This variant is absent or extremely rare in population-based cohorts in the Genome Aggregation Database (gnomAD). Individuals harboring this variant presented with clinical features compatible with PDHA1-related PDHc deficiency. In summary, this variant meets criteria to be classified as pathogenic (P) for PDHA1-related PDHc deficiency based on the ACMG/AMP criteria applied: PVS1, PS3, PM2, PM7 (last assessment October 15, 2024).

Literature cited by the submitters: DOI 10.1093/brain/awaf430.

NM_000284.4(PDHA1):c.894_899+1dup

Gene: PDHA1 (pyruvate dehydrogenase E1 subunit alpha 1; plus strand). Cytogenetic location: Xp22.12.
Variant type: Duplication.
Coding change: c.894_899+1dup on transcript NM_000284.4 (MANE Select); coding-DNA position 894 through the canonical splice donor site of the intron after coding-DNA position 899, 7 bases duplicated (AGTCAGG; older notation c.894_899+1dupAGTCAGG).
Molecular consequence: splice donor variant.
Genome position (GRCh38, 1-based): chrX:19,357,714-19,357,720, AGTCAGG duplicated; duplicating any 7 consecutive bases within chrX:19,357,712-19,357,720 gives the same sequence; the c. name uses the placement nearest the transcript's 3' end. VCF-style (leftmost placement, unchanged base first): chrX-19357711-T-TGGAGTCA. GRCh37 (hg19) VCF-style: chrX-19375829-T-TGGAGTCA.
Other names: c.1008_1013+1dup (NM_001173454.2); c.915_920+1dup (NM_001173455.2); c.801_806+1dup (NM_001173456.2).
Identifiers: ClinVar variation 4070385 (VCV004070385.1).